The following is an entry in ClinVar:

ClinVar aggregate classification (germline): Uncertain significance (1 of 4 stars; one submission).

gnomAD v4.1: 2 of 1,613,942 alleles (0.00012%); highest among the groups gnomAD compares: Non-Finnish European, 0.00017%; no homozygotes.

Submission:

GeneDx
Classification: Uncertain significance. Last evaluated: 2026-01-14. Review status: criteria provided, single submitter. Criteria: GeneDx Variant Classification Process June 2021. Collection method: clinical testing. Allele origin: germline. Affected: yes.
Comment: Not observed at significant frequency in large population cohorts (gnomAD); In silico analysis supports that this missense variant has a deleterious effect on protein structure/function; Has not been previously published as pathogenic or benign to our knowledge

NM_015466.4(PTPN23):c.775C>A (p.Gln259Lys)

Gene: PTPN23 (protein tyrosine phosphatase non-receptor type 23; plus strand). Cytogenetic location: 3p21.31.
Variant type: single nucleotide variant.
Coding change: c.775C>A on transcript NM_015466.4 (MANE Select); coding-DNA position 775, C replaced by A.
Protein change: p.Gln259Lys; replaces glutamine 259 with lysine.
Molecular consequence: missense variant.
Genome position (GRCh38, 1-based): chr3:47,406,718, C>A. VCF-style: chr3-47406718-C-A. GRCh37 (hg19) VCF-style: chr3-47448208-C-A.
Other names: c.397C>A, p.Gln133Lys (NM_001304482.2); short protein forms Q133K, Q259K.
Identifiers: ClinVar variation 3371179 (VCV003371179.2).
Genomic context (GRCh38, chr3:47,406,718, plus strand): 5'-CCACAGCTCAGGAAGCAAGTCGTGGCGTCTCTTCTTCTTTCCCAGCTGCACATGGGAAAG[C>A]AGGCCGAGGAGCAGCAGAAGTTCGGGGAGCGGGTGAGCTACAGCGAGGAGGGGACTGGGG-3'
Protein context (NP_056281.1, residues 249-269): AAVAHLHMGK[Gln259Lys]AEEQQKFGER